The following is an entry in ClinVar:

ClinVar aggregate classification (germline): Pathogenic/Likely pathogenic. Review status: criteria provided, multiple submitters, no conflicts (2 of 4 stars). 2 submissions from 2 submitters: Pathogenic (1); Likely pathogenic (1). Last evaluated 2024-03-02.

Conditions:
Kartagener syndrome (CILD1). Also called: CILIARY DYSKINESIA, PRIMARY, 1; CILIARY DYSKINESIA, PRIMARY, 1, WITH OR WITHOUT SITUS INVERSUS; Dextrocardia bronchiectasis and sinusitis; SIEWERT SYNDROME; IMMOTILE CILIA SYNDROME; POLYNESIAN BRONCHIECTASIS. Identifiers: Orphanet 244, MedGen C4551906, MONDO:0009484, OMIM 244400.

Submissions (2):

Clinical Center for Gene Diagnosis and Therapy, Department of Cardiovascular Surgery, The Second Xiangya Hospital of Central South University
Classification: Likely pathogenic for Kartagener syndrome. Last evaluated: 2024-03-02. Review status: criteria provided, single submitter. Criteria: ACMG Guidelines, 2015. Collection method: research. Allele origin: germline. Inheritance: Autosomal recessive inheritance. Affected: yes. Observed: 1 variant allele, 1 homozygote.
Comment: Not observed at significant frequency in large population cohorts (gnomAD; absent or extremely rare). The variant is a single-nucleotide deletion resulting in a frameshift and premature termination (LRRC56 c.148delG, p.Val50Trpfs*22), predicted to cause loss of normal protein function via nonsense-mediated decay (PVS1). Functional evidence from Lrrc56-deficient mouse models recapitulates key clinical features of motile ciliopathies and demonstrates perturbation of axonemal/ciliary protein composition, supporting a damaging effect (PS3_supporting). The patient phenotype is specific for defects expected from LRRC56 dysfunction (PP4). Collectively, the evidence (PVS1 + PM2 + PM3_supporting + PS3_supporting + PP4) supports classification of this variant as PathogenicThis variant is associated with the following publications:(PMID: 30388400,37892347,36176820,38865178, 41229303).

Labcorp Genetics (formerly Invitae), Labcorp
Classification: Pathogenic. Last evaluated: 2022-08-03. Review status: criteria provided, single submitter. Criteria: Invitae Variant Classification Sherloc (09022015). Collection method: clinical testing. Allele origin: germline.
Comment: This sequence change creates a premature translational stop signal (p.Val50Trpfs*22) in the LRRC56 gene. It is expected to result in an absent or disrupted protein product. Loss-of-function variants in LRRC56 are known to be pathogenic (PMID: 30388400). This variant is present in population databases (no rsID available, gnomAD 0.007%). This variant has not been reported in the literature in individuals affected with LRRC56-related conditions. For these reasons, this variant has been classified as Pathogenic.

Literature cited by the submitters: PubMed 30388400 (cited by Clinical Center for Gene Diagnosis and Therapy, Department of Cardiovascular Surgery, The Second Xiangya Hospital of Central South University and Labcorp Genetics (formerly Invitae), Labcorp); PubMed 37892347 (cited by Clinical Center for Gene Diagnosis and Therapy, Department of Cardiovascular Surgery, The Second Xiangya Hospital of Central South University); PubMed 36176820 (cited by Clinical Center for Gene Diagnosis and Therapy, Department of Cardiovascular Surgery, The Second Xiangya Hospital of Central South University); PubMed 38865178 (cited by Clinical Center for Gene Diagnosis and Therapy, Department of Cardiovascular Surgery, The Second Xiangya Hospital of Central South University); PubMed 41229303 (cited by Clinical Center for Gene Diagnosis and Therapy, Department of Cardiovascular Surgery, The Second Xiangya Hospital of Central South University).

NM_198075.4(LRRC56):c.148del (p.Val50fs)

Gene: LRRC56 (leucine rich repeat containing 56; plus strand). Cytogenetic location: 11p15.5.
Variant type: Deletion.
Coding change: c.148del on transcript NM_198075.4 (MANE Select); coding-DNA position 148, one base deleted (G; older notation c.148delG).
Protein change: p.Val50fs; shifts the reading frame from valine 50.
Molecular consequence: frameshift variant.
Genome position (GRCh38, 1-based): chr11:540,832, G deleted; the last of 2 consecutive G bases (chr11:540,831-540,832); deleting either gives the same sequence. VCF-style (leftmost placement, unchanged base first): chr11-540830-TG-T. GRCh37 (hg19) VCF-style: chr11-540830-TG-T.
Other names: c.148delG (NM_198075.3); short protein forms V50fs.
Identifiers: ClinVar variation 1931310 (VCV001931310.6), dbSNP rs1421592107, ClinGen allele CA597019605.